The following is an entry in ClinVar:

ClinVar aggregate classification (germline): Uncertain significance (1 of 4 stars; one submission).

Submission:

GeneDx
Classification: Uncertain significance. Last evaluated: 2026-10-16. Review status: criteria provided, single submitter. Criteria: GeneDx Variant Classification Process June 2021. Collection method: clinical testing. Allele origin: germline.
Comment: Not observed at significant frequency in large population cohorts (gnomAD); In silico analysis suggests that this missense variant does not alter protein structure/function; Has not been previously published as pathogenic or benign to our knowledge; In silico analysis suggests this variant may impact gene splicing. In the absence of RNA/functional studies, the actual effect of this sequence change is unknown.

NM_005121.3(MED13):c.4571C>T (p.Thr1524Ile)

Gene: MED13 (mediator complex subunit 13; minus strand). Cytogenetic location: 17q23.2.
Variant type: single nucleotide variant.
Coding change: c.4571C>T on transcript NM_005121.3 (MANE Select); coding-DNA position 4571, C replaced by T.
Protein change: p.Thr1524Ile; replaces threonine 1524 with isoleucine.
Molecular consequence: missense variant.
Genome position (GRCh38, 1-based): chr17:61,965,279, G>A on the plus strand (C>T on the coding strand, the complement: MED13 is on the minus strand). VCF-style: chr17-61965279-G-A. GRCh37 (hg19) VCF-style: chr17-60042640-G-A.
Other names: short protein forms T1524I.
Identifiers: ClinVar variation 3573819 (VCV003573819.2).